The following is an entry in ClinVar:

ClinVar aggregate classification (germline): Uncertain significance (1 of 4 stars; one submission).

gnomAD v4.1: 1 of 1,587,064 alleles (0.000063%); no homozygotes.

Submission:

Labcorp Genetics (formerly Invitae), Labcorp
Classification: Uncertain significance. Last evaluated: 2022-07-17. Review status: criteria provided, single submitter. Criteria: Invitae Variant Classification Sherloc (09022015). Collection method: clinical testing. Allele origin: germline.
Comment: This sequence change replaces histidine, which is basic and polar, with proline, which is neutral and non-polar, at codon 2691 of the VPS13C protein (p.His2691Pro). This variant is not present in population databases (gnomAD no frequency). This variant has not been reported in the literature in individuals affected with VPS13C-related conditions. Algorithms developed to predict the effect of missense changes on protein structure and function (SIFT, PolyPhen-2, Align-GVGD) all suggest that this variant is likely to be tolerated. In summary, the available evidence is currently insufficient to determine the role of this variant in disease. Therefore, it has been classified as a Variant of Uncertain Significance.

NM_020821.3(VPS13C):c.8072A>C (p.His2691Pro)

Gene: VPS13C (vacuolar protein sorting 13 homolog C; minus strand). Cytogenetic location: 15q22.2.
Variant type: single nucleotide variant.
Coding change: c.8072A>C on transcript NM_020821.3 (MANE Select); coding-DNA position 8072, A replaced by C.
Protein change: p.His2691Pro; replaces histidine 2691 with proline.
Molecular consequence: missense variant.
Genome position (GRCh38, 1-based): chr15:61,916,006, T>G on the plus strand (A>C on the coding strand, the complement: VPS13C is on the minus strand). VCF-style: chr15-61916006-T-G. GRCh37 (hg19) VCF-style: chr15-62208205-T-G.
Other names: c.8072A>C, p.His2691Pro (NM_001018088.3); c.7943A>C, p.His2648Pro (NM_017684.5, NM_018080.4); short protein forms H2691P, H2648P.
Identifiers: ClinVar variation 1959646 (VCV001959646.5), dbSNP rs2547872660, ClinGen allele CA392678963.
Genomic context (GRCh38, chr15:61,916,006, plus strand): 5'-ATTATTTCACCACTGATTCTCGAATGCAGAACATCAGCAGTACTGCCTTCTGCCAGCTCA[T>G]GAGTTTCTGCTGTTCCCTAAAAACAAACAAAAATTCGCTGAGTAACTTTTTAAAAACTCT-3'
Protein context (NP_065872.1, residues 2681-2701): RYLLEGTAET[His2691Pro]ELAEGSTADV